The following is an entry in ClinVar:

ClinVar aggregate classification (germline): Uncertain significance (1 of 4 stars; one submission).

Submission:

GeneDx
Classification: Uncertain significance. Last evaluated: 2023-11-19. Review status: criteria provided, single submitter. Criteria: GeneDx Variant Classification Process June 2021. Collection method: clinical testing. Allele origin: germline. Affected: yes.
Comment: Has not been previously published as pathogenic or benign to our knowledge; Not observed at significant frequency in large population cohorts (gnomAD); In silico analysis supports that this missense variant does not alter protein structure/function; In silico analysis suggests this variant may impact gene splicing. In the absence of RNA/functional studies, the actual effect of this sequence change is unknown.

NM_007118.4(TRIO):c.8100G>T (p.Glu2700Asp)

Genes: TRIO (trio Rho guanine nucleotide exchange factor; plus strand), LOC126807323 (CDK7 strongly-dependent group 2 enhancer GRCh37_chr5:14497716-14498915; plus strand). Cytogenetic location: 5p15.2.
Variant type: single nucleotide variant.
Coding change: c.8100G>T on transcript NM_007118.4 (MANE Select); coding-DNA position 8100, G replaced by T.
Protein change: p.Glu2700Asp; replaces glutamic acid 2700 with aspartic acid.
Molecular consequence: missense variant. On other transcripts: non-coding transcript variant (1).
Genome position (GRCh38, 1-based): chr5:14,498,141, G>T. VCF-style: chr5-14498141-G-T. GRCh37 (hg19) VCF-style: chr5-14498250-G-T.
Other names: short protein forms E2700D.
Identifiers: ClinVar variation 3364702 (VCV003364702.1).